The following is an entry in ClinVar:

ClinVar aggregate classification (germline): Conflicting classifications of pathogenicity. Review status: criteria provided, conflicting classifications (1 of 4 stars). 2 submissions from 2 submitters: Uncertain significance (1); Benign (1). Last evaluated 2026-01-18.

Conditions:
Dilated cardiomyopathy 1DD (CMD1DD). Identifiers: Orphanet 154, MedGen C2750995, MONDO:0013168, OMIM 613172.
Cardiovascular phenotype. Identifiers: MedGen CN230736.

Allele frequency attached by ClinVar (database versions not stated): TOPMed 0.00002.
gnomAD v4.1: 3 of 1,549,410 alleles (0.00019%); highest among the groups gnomAD compares: African/African-American, 0.0041%; no homozygotes.

Submissions (2):

Labcorp Genetics (formerly Invitae), Labcorp
Classification: Benign for Dilated cardiomyopathy 1DD. Last evaluated: 2026-01-18. Review status: criteria provided, single submitter. Criteria: Invitae Variant Classification Sherloc (09022015). Collection method: clinical testing. Allele origin: germline.

Ambry Genetics
Classification: Uncertain significance for Cardiovascular phenotype. Last evaluated: 2023-10-31. Review status: criteria provided, single submitter. Criteria: Ambry Variant Classification Scheme 2023. Collection method: clinical testing. Allele origin: germline.
Comment: The p.H343D variant (also known as c.1027C>G), located in coding exon 2 of the RBM20 gene, results from a C to G substitution at nucleotide position 1027. The histidine at codon 343 is replaced by aspartic acid, an amino acid with similar properties. This amino acid position is poorly conserved in available vertebrate species. In addition, this alteration is predicted to be tolerated by in silico analysis. Since supporting evidence is limited at this time, the clinical significance of this alteration remains unclear.

NM_001134363.3(RBM20):c.1027C>G (p.His343Asp)

Gene: RBM20 (RNA binding motif protein 20; plus strand). Cytogenetic location: 10q25.2.
Variant type: single nucleotide variant.
Coding change: c.1027C>G on transcript NM_001134363.3 (MANE Select); coding-DNA position 1027, C replaced by G.
Protein change: p.His343Asp; replaces histidine 343 with aspartic acid.
Molecular consequence: missense variant.
Genome position (GRCh38, 1-based): chr10:110,781,636, C>G. VCF-style: chr10-110781636-C-G. GRCh37 (hg19) VCF-style: chr10-112541394-C-G.
Other names: c.1027C>G (NM_001134363.1); short protein forms H343D.
Identifiers: ClinVar variation 1007670 (VCV001007670.9), dbSNP rs112226602, ClinGen allele CA378385355.